The following is an entry in ClinVar:

NM_003001.5(SDHC):c.1A>T (p.Met1Leu)

Gene: SDHC (succinate dehydrogenase complex subunit C; plus strand). Cytogenetic location: 1q23.3.
Variant type: single nucleotide variant.
Coding change: c.1A>T on transcript NM_003001.5 (MANE Select); coding-DNA position 1, A replaced by T.
Protein change: p.Met1Leu; changes the start codon (methionine 1).
Molecular consequence: missense variant, initiator codon variant.
Genome position (GRCh38, 1-based): chr1:161,314,406, A>T. VCF-style: chr1-161314406-A-T. GRCh37 (hg19) VCF-style: chr1-161284196-A-T.
Other names: c.1A>T, p.Met1Leu (NM_001035511.3, NM_001035512.3, NM_001035513.3 and 6 more transcripts); c.-560A>T (NM_001407119.1); c.-229A>T (NM_001407120.1); short protein forms M1L.
Identifiers: ClinVar variation 653751 (VCV000653751.13), dbSNP rs755235380, ClinGen allele CA343354875.
Genomic context (GRCh38, chr1:161,314,406, plus strand): 5'-GCCTCCGCCCTCGGGTGGCGGGGCCGCCTGGCGTCACTTCCGTCCAGACCGGAACCCAAG[A>T]TGGCTGCGCTGTTGCTGAGGTGACTTCAGTGGGACTGGGAGTTGGTGCCTGCGGCCCTCC-3'
Protein context (NP_002992.1, residues 1-11): [Met1Leu]AALLLRHVGR

ClinVar aggregate classification (germline): Pathogenic. Review status: criteria provided, multiple submitters, no conflicts (2 of 4 stars). 3 submissions from 3 submitters: Pathogenic (3). Last evaluated 2025-09-16.

Conditions:
Pheochromocytoma/paraganglioma syndrome 3. Also called: SDHC-Related Hereditary Paraganglioma-Pheochromocytoma Syndrome (Paragangliomas 3); SDHC-Related Hereditary Paraganglioma-Pheochromocytoma Syndrome; GLOMUS TUMORS, FAMILIAL, 3; Paragangliomas 3. Identifiers: Orphanet 29072, MedGen C1854336, MONDO:0011544, OMIM 605373.
Gastrointestinal stromal tumor. Also called: Gastrointestinal stromal tumor, somatic; Gastrointestinal stroma tumor. Identifiers: Orphanet 44890, MedGen C0238198, MeSH D046152, MONDO:0011719, OMIM 606764, HP:0100723.
Hereditary cancer-predisposing syndrome. Also called: Neoplastic Syndromes, Hereditary; Tumor predisposition; Hereditary Cancer Syndrome; Hereditary neoplastic syndrome. Identifiers: Orphanet 140162, MedGen C0027672, MeSH D009386, MONDO:0015356.

Submissions (3):

Labcorp Genetics (formerly Invitae), Labcorp
Classification: Pathogenic for Pheochromocytoma/paraganglioma syndrome 3; Gastrointestinal stromal tumor. Last evaluated: 2025-09-16. Review status: criteria provided, single submitter. Criteria: Invitae Variant Classification Sherloc (09022015). Collection method: clinical testing. Allele origin: germline.
Comment: This sequence change affects the initiator codon of the SDHC mRNA. This change may impact translation initiation or efficiency. The next in-frame methionine is located at codon 38. This variant is not present in population databases (gnomAD no frequency). Disruption of the initiator codon has been observed in individuals with SDHC-related conditions (PMID: 11062460, 16249420, 19351833, 19454582, 22351710, 22517554, 23282968, 29386252). It has also been observed to segregate with disease in related individuals. ClinVar contains an entry for this variant (Variation ID: 653751). For these reasons, this variant has been classified as Pathogenic.

Ambry Genetics
Classification: Pathogenic for Hereditary cancer-predisposing syndrome. Last evaluated: 2024-05-21. Review status: criteria provided, single submitter. Criteria: Ambry Variant Classification Scheme 2023. Collection method: clinical testing. Allele origin: germline.
Comment: The p.M1? pathogenic mutation (also known as c.1A>T) is located in coding exon 1 of the SDHC gene and results from an A to T substitution at nucleotide position 1. This alters the methionine residue at the initiation codon (ATG). This variant was reported in multiple individuals with features consistent with SDHC-related paraganglioma-pheochromocytoma syndrome (Andrews KA et al. J Med Genet, 2018 Jun;55:384-394; Williams et al. Clin Endocrinol (Oxf), 2022 Apr;96:499-512). This variant is considered to be rare based on population cohorts in the Genome Aggregation Database (gnomAD). In addition to the clinical data presented in the literature, sequence variations that modify the initiation codon are expected to result in either loss of translation initiation, N-terminal truncation, or cause a shift in the mRNA reading frame. Based on the supporting evidence, this variant is interpreted as a disease-causing mutation.

Myriad Genetics, Inc.
Classification: Pathogenic for Pheochromocytoma/paraganglioma syndrome 3. Last evaluated: 2023-12-12. Review status: criteria provided, single submitter. Criteria: Myriad Autosomal Dominant, Autosomal Recessive and X-Linked Classification Criteria (2023). Collection method: clinical testing. Allele origin: unknown.
Comment: This variant is considered pathogenic. This variant is located within the gene translation start codon (p.Met1?) and is predicted to result in abnormal protein translation. This variant has been reported in multiple individuals with clinical features of gene-specific disease [PMID: 30201732, 30877234, 16249420, 11062460, 25720320].

Literature cited by the submitters: PubMed 11062460 (cited by Labcorp Genetics (formerly Invitae), Labcorp and Myriad Genetics, Inc.); PubMed 16249420 (cited by Labcorp Genetics (formerly Invitae), Labcorp and Myriad Genetics, Inc.); PubMed 19351833 (cited by Labcorp Genetics (formerly Invitae), Labcorp); PubMed 19454582 (cited by Labcorp Genetics (formerly Invitae), Labcorp); PubMed 22351710 (cited by Labcorp Genetics (formerly Invitae), Labcorp); PubMed 22517554 (cited by Labcorp Genetics (formerly Invitae), Labcorp); PubMed 23282968 (cited by Labcorp Genetics (formerly Invitae), Labcorp); PubMed 29386252 (cited by Labcorp Genetics (formerly Invitae), Labcorp and Ambry Genetics); PubMed 34558728 (cited by Ambry Genetics); PubMed 30201732 (cited by Myriad Genetics, Inc.); PubMed 30877234 (cited by Myriad Genetics, Inc.); PubMed 25720320 (cited by Myriad Genetics, Inc.).